The following is an entry in ClinVar:

NM_138576.4(BCL11B):c.1708G>A (p.Gly570Ser)

Gene: BCL11B (BCL11 transcription factor B; minus strand). Cytogenetic location: 14q32.2.
Variant type: single nucleotide variant.
Coding change: c.1708G>A on transcript NM_138576.4 (MANE Select); coding-DNA position 1708, G replaced by A.
Protein change: p.Gly570Ser; replaces glycine 570 with serine.
Molecular consequence: missense variant.
Genome position (GRCh38, 1-based): chr14:99,175,128, C>T on the plus strand (G>A on the coding strand, the complement: BCL11B is on the minus strand). VCF-style: chr14-99175128-C-T. GRCh37 (hg19) VCF-style: chr14-99641465-C-T.
Other names: c.1705G>A, p.Gly569Ser (NM_001282237.2); c.1492G>A, p.Gly498Ser (NM_001282238.2); c.1495G>A, p.Gly499Ser (NM_022898.3); c.1708G>A (NM_138576.3); short protein forms G498S, G569S, G499S, G570S.
Identifiers: ClinVar variation 1911363 (VCV001911363.7), dbSNP rs779345697, ClinGen allele CA7339623.

ClinVar aggregate classification (germline): Uncertain significance. Review status: criteria provided, multiple submitters, no conflicts (2 of 4 stars). 2 submissions from 2 submitters: Uncertain significance (2). Last evaluated 2025-01-22.

Allele frequency attached by ClinVar (database versions not stated): gnomAD exomes below 0.00001; gnomAD 0.00001; 1000 Genomes Project 30x 0.00016.
gnomAD v4.1: 3 of 1,594,428 alleles (0.00019%); highest among the groups gnomAD compares: Admixed American, 0.0017%; no homozygotes.

Submissions (2):

GeneDx
Classification: Uncertain significance. Last evaluated: 2025-01-22. Review status: criteria provided, single submitter. Criteria: GeneDx Variant Classification Process June 2021. Collection method: clinical testing. Allele origin: germline.
Comment: Not observed at significant frequency in large population cohorts (gnomAD); In silico analysis indicates that this missense variant does not alter protein structure/function; Has not been previously published as pathogenic or benign to our knowledge

Labcorp Genetics (formerly Invitae), Labcorp
Classification: Uncertain significance. Last evaluated: 2023-02-14. Review status: criteria provided, single submitter. Criteria: Invitae Variant Classification Sherloc (09022015). Collection method: clinical testing. Allele origin: germline.
Comment: This sequence change replaces glycine, which is neutral and non-polar, with serine, which is neutral and polar, at codon 570 of the BCL11B protein (p.Gly570Ser). This variant is not present in population databases (gnomAD no frequency). This variant has not been reported in the literature in individuals affected with BCL11B-related conditions. Algorithms developed to predict the effect of missense changes on protein structure and function (SIFT, PolyPhen-2, Align-GVGD) all suggest that this variant is likely to be tolerated. In summary, the available evidence is currently insufficient to determine the role of this variant in disease. Therefore, it has been classified as a Variant of Uncertain Significance.